The following is an entry in ClinVar:

ClinVar aggregate classification (germline): Uncertain significance (1 of 4 stars; one submission).

Conditions:
Hereditary pancreatitis (PCTT). Also called: Hereditary chronic pancreatitis; PRSS1-Related Hereditary Pancreatitis. Identifiers: Orphanet 676, MedGen C0238339, MONDO:0008185, OMIM 167800.

Allele frequency attached by ClinVar (database versions not stated): gnomAD 0.00001; TOPMed 0.00002.
gnomAD v4.1: 2 of 1,614,016 alleles (0.00012%); highest among the groups gnomAD compares: African/African-American, 0.0027%; no homozygotes.

Submission:

Ambry Genetics
Classification: Uncertain significance for Hereditary pancreatitis. Last evaluated: 2023-10-02. Review status: criteria provided, single submitter. Criteria: Ambry Variant Classification Scheme 2023. Collection method: clinical testing. Allele origin: germline.
Comment: The p.L100P variant (also known as c.299T>C), located in coding exon 4 of the CTRC gene, results from a T to C substitution at nucleotide position 299. The leucine at codon 100 is replaced by proline, an amino acid with similar properties. This amino acid position is conserved. In addition, this alteration is predicted to be tolerated by in silico analysis. Since supporting evidence is limited at this time, the clinical significance of this alteration remains unclear.

NM_007272.3(CTRC):c.299T>C (p.Leu100Pro)

Gene: CTRC (chymotrypsin C; plus strand). Cytogenetic location: 1p36.21.
Variant type: single nucleotide variant.
Coding change: c.299T>C on transcript NM_007272.3 (MANE Select); coding-DNA position 299, T replaced by C.
Protein change: p.Leu100Pro; replaces leucine 100 with proline.
Molecular consequence: missense variant.
Genome position (GRCh38, 1-based): chr1:15,442,515, T>C. VCF-style: chr1-15442515-T-C. GRCh37 (hg19) VCF-style: chr1-15769011-T-C.
Other names: short protein forms L100P.
Identifiers: ClinVar variation 1798621 (VCV001798621.2), dbSNP rs1449646347, ClinGen allele CA338565479.